The following is an entry in ClinVar:

ClinVar aggregate classification (germline): Uncertain significance. Review status: criteria provided, multiple submitters, no conflicts (2 of 4 stars). 2 submissions from 2 submitters: Uncertain significance (2). Last evaluated 2024-04-02.

Conditions:
RYR1-related disorder. Also called: RYR1-related disorders; RYR1-related condition. Identifiers: MedGen CN239331.
Malignant hyperthermia, susceptibility to, 1 (MHS1). Also called: Anesthesia related hyperthermia; Malignant hyperpyrexia; Fulminating hyperpyrexia; Pharmacogenic myopathy; RYR1-Related Malignant Hyperthermia Susceptibility; Malignant hyperthermia suceptibility 1. Identifiers: Orphanet 423, MedGen C2930980, MONDO:0007783, OMIM 145600.

Allele frequency attached by ClinVar (database versions not stated): gnomAD exomes below 0.00001; TOPMed 0.00001.

Submissions (2):

Labcorp Genetics (formerly Invitae), Labcorp
Classification: Uncertain significance for RYR1-related disorder. Last evaluated: 2024-04-02. Review status: criteria provided, single submitter. Criteria: Invitae Variant Classification Sherloc (09022015). Collection method: clinical testing. Allele origin: germline.
Comment: This sequence change replaces methionine, which is neutral and non-polar, with valine, which is neutral and non-polar, at codon 1647 of the RYR1 protein (p.Met1647Val). The frequency data for this variant in the population databases is considered unreliable, as metrics indicate poor data quality at this position in the gnomAD database. This variant has not been reported in the literature in individuals affected with RYR1-related conditions. ClinVar contains an entry for this variant (Variation ID: 2143666). Advanced modeling of protein sequence and biophysical properties (such as structural, functional, and spatial information, amino acid conservation, physicochemical variation, residue mobility, and thermodynamic stability) performed at Invitae indicates that this missense variant is not expected to disrupt RYR1 protein function with a negative predictive value of 95%. In summary, the available evidence is currently insufficient to determine the role of this variant in disease. Therefore, it has been classified as a Variant of Uncertain Significance.

All of Us Research Program, National Institutes of Health
Classification: Uncertain significance for Malignant hyperthermia, susceptibility to, 1. Last evaluated: 2023-06-28. Review status: criteria provided, single submitter. Criteria: ACMG Guidelines, 2015. Collection method: clinical testing. Allele origin: germline. Inheritance: Autosomal dominant inheritance. Observed: 1 variant allele, 1 heterozygote.
Comment: This study involves interpretation of variants in research participants for the purpose of population health screening. Participant phenotype was not available at the time of variant classification. Additional details can be found in publication PMID: 35346344, PMCID: PMC8962531

NM_000540.3(RYR1):c.4939A>G (p.Met1647Val)

Gene: RYR1 (ryanodine receptor 1; plus strand). Cytogenetic location: 19q13.2.
Variant type: single nucleotide variant.
Coding change: c.4939A>G on transcript NM_000540.3 (MANE Select); coding-DNA position 4939, A replaced by G.
Protein change: p.Met1647Val; replaces methionine 1647 with valine.
Molecular consequence: missense variant.
Genome position (GRCh38, 1-based): chr19:38,485,594, A>G. VCF-style: chr19-38485594-A-G. GRCh37 (hg19) VCF-style: chr19-38976234-A-G.
Other names: c.4939A>G, p.Met1647Val (NM_001042723.2); short protein forms M1647V.
Identifiers: ClinVar variation 2143666 (VCV002143666.5), dbSNP rs1361758939, ClinGen allele CA405652388.
Genomic context (GRCh38, chr19:38,485,594, plus strand): 5'-GACTGATGCAGGAGGCTCATTCATCTGTCCCTGTCTGTTTCCCACCTCTGCTGCAGGTGC[A>G]TGGACATCCTGGAGCTGTCGGAGCGCCTGGACCTGCAGCGCTTCCACTCGCACACCCTGC-3'
Protein context (NP_000531.2, residues 1637-1657): ALHIPEENRC[Met1647Val]DILELSERLD